The following is an entry in ClinVar:

NM_006231.4(POLE):c.2342C>A (p.Ala781Glu)

Gene: POLE (DNA polymerase epsilon, catalytic subunit; minus strand). Cytogenetic location: 12q24.33.
Variant type: single nucleotide variant.
Coding change: c.2342C>A on transcript NM_006231.4 (MANE Select); coding-DNA position 2342, C replaced by A.
Protein change: p.Ala781Glu; replaces alanine 781 with glutamic acid.
Molecular consequence: missense variant.
Genome position (GRCh38, 1-based): chr12:132,665,428, G>T on the plus strand (C>A on the coding strand, the complement: POLE is on the minus strand). VCF-style: chr12-132665428-G-T. GRCh37 (hg19) VCF-style: chr12-133242014-G-T.
Other names: short protein forms A781E.
Identifiers: ClinVar variation 1370718 (VCV001370718.6), dbSNP rs1060500855, ClinGen allele CA387397902.
Genomic context (GRCh38, chr12:132,665,428, plus strand): 5'-TACAGCACCTCCATGTTCTTGCAGCGCTTCACCTCAGCCGCGTCGCCCACCTCCACGGCC[G>T]CCGAGAGCTTCTTTTTCCACACCTGAGAAGCACATGAACATGGAGCACCTCACAGATTCT-3'
Protein context (NP_006222.2, residues 771-791): LHKVWKKKLS[Ala781Glu]AVEVGDAAEV

ClinVar aggregate classification (germline): Uncertain significance (1 of 4 stars; one submission).

Submission:

Labcorp Genetics (formerly Invitae), Labcorp
Classification: Uncertain significance. Last evaluated: 2021-08-20. Review status: criteria provided, single submitter. Criteria: Invitae Variant Classification Sherloc (09022015). Collection method: clinical testing. Allele origin: germline.
Comment: In summary, the available evidence is currently insufficient to determine the role of this variant in disease. Therefore, it has been classified as a Variant of Uncertain Significance. Algorithms developed to predict the effect of missense changes on protein structure and function (SIFT, PolyPhen-2, Align-GVGD) all suggest that this variant is likely to be tolerated. This variant has not been reported in the literature in individuals affected with POLE-related conditions. This variant is not present in population databases (ExAC no frequency). This sequence change replaces alanine with glutamic acid at codon 781 of the POLE protein (p.Ala781Glu). The alanine residue is moderately conserved and there is a moderate physicochemical difference between alanine and glutamic acid.